The following is an entry in ClinVar:

ClinVar aggregate classification (germline): Likely benign (0 of 4 stars; one submission).

Conditions:
NBAS-related disorder. Also called: NBAS-related condition.

Submission:

PreventionGenetics, part of Exact Sciences
Classification: Likely benign for NBAS-related condition. Last evaluated: 2021-02-15. Review status: no assertion criteria provided. Collection method: clinical testing. Allele origin: germline.
Comment: This variant is classified as likely benign based on ACMG/AMP sequence variant interpretation guidelines (Richards et al. 2015 PMID: 25741868, with internal and published modifications).

NM_015909.4(NBAS):c.6711+8G>A

Gene: NBAS (NBAS subunit of NRZ tethering complex; minus strand). Cytogenetic location: 2p24.3.
Variant type: single nucleotide variant.
Coding change: c.6711+8G>A on transcript NM_015909.4 (MANE Select); 8 bases into the intron after coding-DNA position 6711, G replaced by A.
Molecular consequence: intron variant.
Genome position (GRCh38, 1-based): chr2:15,186,734, C>T on the plus strand (G>A on the coding strand, the complement: NBAS is on the minus strand). VCF-style: chr2-15186734-C-T. GRCh37 (hg19) VCF-style: chr2-15326858-C-T.
Identifiers: ClinVar variation 3030963 (VCV003030963.2), dbSNP rs1277756519, ClinGen allele CA2740092684.